The following is an entry in ClinVar:

NM_001130823.3(DNMT1):c.3760C>T (p.Arg1254Cys)

Gene: DNMT1 (DNA methyltransferase 1; minus strand). Cytogenetic location: 19p13.2.
Variant type: single nucleotide variant.
Coding change: c.3760C>T on transcript NM_001130823.3 (MANE Select); coding-DNA position 3760, C replaced by T.
Protein change: p.Arg1254Cys; replaces arginine 1254 with cysteine.
Molecular consequence: missense variant.
Genome position (GRCh38, 1-based): chr19:10,140,092, G>A on the plus strand (C>T on the coding strand, the complement: DNMT1 is on the minus strand). VCF-style: chr19-10140092-G-A. GRCh37 (hg19) VCF-style: chr19-10250768-G-A.
Other names: c.3712C>T, p.Arg1238Cys (NM_001318730.2, NM_001379.4); c.3397C>T, p.Arg1133Cys (NM_001318731.2); short protein forms R1238C, R1133C, R1254C.
Identifiers: ClinVar variation 1734213 (VCV001734213.7), dbSNP rs746456488, ClinGen allele CA9187683.

ClinVar aggregate classification (germline): Uncertain significance. Review status: criteria provided, multiple submitters, no conflicts (2 of 4 stars). 2 submissions from 2 submitters: Uncertain significance (2). Last evaluated 2024-01-15.

Conditions:
Inborn genetic diseases. Identifiers: MedGen C0950123, MeSH D030342.
Hereditary sensory neuropathy-deafness-dementia syndrome. Also called: Hereditary sensory neuropathy type IE; NEUROPATHY, HEREDITARY SENSORY, WITH HEARING LOSS AND DEMENTIA; Hereditary Sensory and Autonomic Neuropathy Type 1E (HSAN1E); HSN IE. Identifiers: Orphanet 456318, MedGen C3279885, MONDO:0013584, OMIM 614116.

Allele frequency attached by ClinVar (database versions not stated): gnomAD exomes below 0.00001; ExAC 0.00001.

Submissions (2):

Labcorp Genetics (formerly Invitae), Labcorp
Classification: Uncertain significance for Hereditary sensory neuropathy-deafness-dementia syndrome. Last evaluated: 2024-01-15. Review status: criteria provided, single submitter. Criteria: Invitae Variant Classification Sherloc (09022015). Collection method: clinical testing. Allele origin: germline.
Comment: This sequence change replaces arginine, which is basic and polar, with cysteine, which is neutral and slightly polar, at codon 1254 of the DNMT1 protein (p.Arg1254Cys). This variant is present in population databases (rs746456488, gnomAD 0.002%). This variant has not been reported in the literature in individuals affected with DNMT1-related conditions. ClinVar contains an entry for this variant (Variation ID: 1734213). Advanced modeling of protein sequence and biophysical properties (such as structural, functional, and spatial information, amino acid conservation, physicochemical variation, residue mobility, and thermodynamic stability) performed at Invitae indicates that this missense variant is expected to disrupt DNMT1 protein function with a positive predictive value of 80%. In summary, the available evidence is currently insufficient to determine the role of this variant in disease. Therefore, it has been classified as a Variant of Uncertain Significance.

Ambry Genetics
Classification: Uncertain significance for Inborn genetic diseases. Last evaluated: 2019-10-30. Review status: criteria provided, single submitter. Criteria: Ambry Variant Classification Scheme 2023. Collection method: clinical testing. Allele origin: germline.
Comment: The p.R1238C variant (also known as c.3712C>T), located in coding exon 32 of the DNMT1 gene, results from a C to T substitution at nucleotide position 3712. The arginine at codon 1238 is replaced by cysteine, an amino acid with highly dissimilar properties. This amino acid position is highly conserved in available vertebrate species. In addition, this alteration is predicted to be deleterious by in silico analysis. Since supporting evidence is limited at this time, the clinical significance of this alteration remains unclear.